The following is an entry in ClinVar:

NM_032043.3(BRIP1):c.808G>T (p.Gly270Trp)

Gene: BRIP1 (BRCA1 interacting DNA helicase 1; minus strand). Cytogenetic location: 17q23.2.
Variant type: single nucleotide variant.
Coding change: c.808G>T on transcript NM_032043.3 (MANE Select); coding-DNA position 808, G replaced by T.
Protein change: p.Gly270Trp; replaces glycine 270 with tryptophan.
Molecular consequence: missense variant.
Genome position (GRCh38, 1-based): chr17:61,808,577, C>A on the plus strand (G>T on the coding strand, the complement: BRIP1 is on the minus strand). VCF-style: chr17-61808577-C-A. GRCh37 (hg19) VCF-style: chr17-59885938-C-A.
Other names: short protein forms G270W.
Identifiers: ClinVar variation 530328 (VCV000530328.15), dbSNP rs1401241698, ClinGen allele CA400484871.

ClinVar aggregate classification (germline): Uncertain significance. Review status: criteria provided, multiple submitters, no conflicts (2 of 4 stars). 2 submissions from 2 submitters: Uncertain significance (2). Last evaluated 2025-07-07.

Conditions:
Hereditary cancer-predisposing syndrome. Also called: Neoplastic Syndromes, Hereditary; Hereditary neoplastic syndrome; Tumor predisposition; Hereditary Cancer Syndrome. Identifiers: Orphanet 140162, MedGen C0027672, MeSH D009386, MONDO:0015356.
Fanconi anemia complementation group J. Also called: BRIP1-Related Fanconi Anemia. Identifiers: Orphanet 84, MedGen C1836860, MONDO:0012187, OMIM 609054.
Familial cancer of breast. Also called: BREAST CANCER, FAMILIAL; hereditary breast carcinoma; Hereditary breast cancer. Identifiers: Orphanet 227535, MedGen C0346153, MONDO:0016419, OMIM 114480. Disease mechanism: loss of function.

Allele frequency attached by ClinVar (database versions not stated): TOPMed below 0.00001; gnomAD 0.00001.

Submissions (2):

Labcorp Genetics (formerly Invitae), Labcorp
Classification: Uncertain significance for Familial cancer of breast; Fanconi anemia complementation group J. Last evaluated: 2025-07-07. Review status: criteria provided, single submitter. Criteria: Invitae Variant Classification Sherloc (09022015). Collection method: clinical testing. Allele origin: germline.
Comment: This sequence change replaces glycine, which is neutral and non-polar, with tryptophan, which is neutral and slightly polar, at codon 270 of the BRIP1 protein (p.Gly270Trp). This variant is present in population databases (no rsID available, gnomAD 0.01%). This variant has not been reported in the literature in individuals affected with BRIP1-related conditions. ClinVar contains an entry for this variant (Variation ID: 530328). Invitae Evidence Modeling of protein sequence and biophysical properties (such as structural, functional, and spatial information, amino acid conservation, physicochemical variation, residue mobility, and thermodynamic stability) has been performed for this missense variant. However, the output from this modeling did not meet the statistical confidence thresholds required to predict the impact of this variant on BRIP1 protein function. In summary, the available evidence is currently insufficient to determine the role of this variant in disease. Therefore, it has been classified as a Variant of Uncertain Significance.

Ambry Genetics
Classification: Uncertain significance for Hereditary cancer-predisposing syndrome. Last evaluated: 2024-06-18. Review status: criteria provided, single submitter. Criteria: Ambry Variant Classification Scheme 2023. Collection method: clinical testing. Allele origin: germline.
Comment: The p.G270W variant (also known as c.808G>T), located in coding exon 6 of the BRIP1 gene, results from a G to T substitution at nucleotide position 808. The glycine at codon 270 is replaced by tryptophan, an amino acid with highly dissimilar properties. This amino acid position is not well conserved in available vertebrate species. In addition, this alteration is predicted to be tolerated by in silico analysis. Since supporting evidence is limited at this time, the clinical significance of this alteration remains unclear.